The following is an entry in ClinVar:

ClinVar aggregate classification (germline): Uncertain significance (1 of 4 stars; one submission).

Conditions:
Familial hemophagocytic lymphohistiocytosis 3 (FHL3). Also called: UNC13D-Related Familial Hemophagocytic Lymphohistiocytosis (UNC13D-fHLH). Identifiers: Orphanet 540, MedGen C1837174, MONDO:0012146, OMIM 608898.

Allele frequency attached by ClinVar (database versions not stated): gnomAD exomes below 0.00001.
gnomAD v4.1: 1 of 1,610,986 alleles (0.000062%); highest among the groups gnomAD compares: Non-Finnish European, 0.000085%; no homozygotes.

Submission:

Labcorp Genetics (formerly Invitae), Labcorp
Classification: Uncertain significance for Familial hemophagocytic lymphohistiocytosis 3. Last evaluated: 2022-05-18. Review status: criteria provided, single submitter. Criteria: Invitae Variant Classification Sherloc (09022015). Collection method: clinical testing. Allele origin: germline.
Comment: In summary, the available evidence is currently insufficient to determine the role of this variant in disease. Therefore, it has been classified as a Variant of Uncertain Significance. This sequence change replaces threonine, which is neutral and polar, with isoleucine, which is neutral and non-polar, at codon 99 of the UNC13D protein (p.Thr99Ile). This variant is not present in population databases (gnomAD no frequency). This variant has not been reported in the literature in individuals affected with UNC13D-related conditions. Algorithms developed to predict the effect of missense changes on protein structure and function are either unavailable or do not agree on the potential impact of this missense change (SIFT: "Not Available"; PolyPhen-2: "Benign"; Align-GVGD: "Not Available").

NM_199242.3(UNC13D):c.296C>T (p.Thr99Ile)

Gene: UNC13D (unc-13 homolog D; minus strand). Cytogenetic location: 17q25.1.
Variant type: single nucleotide variant.
Coding change: c.296C>T on transcript NM_199242.3 (MANE Select); coding-DNA position 296, C replaced by T.
Protein change: p.Thr99Ile; replaces threonine 99 with isoleucine.
Molecular consequence: missense variant.
Genome position (GRCh38, 1-based): chr17:75,843,039, G>A on the plus strand (C>T on the coding strand, the complement: UNC13D is on the minus strand). VCF-style: chr17-75843039-G-A. GRCh37 (hg19) VCF-style: chr17-73839120-G-A.
Other names: short protein forms T99I.
Identifiers: ClinVar variation 2113218 (VCV002113218.4), dbSNP rs2545987881, ClinGen allele CA401115951.